The following is an entry in ClinVar:

ClinVar aggregate classification (germline): Pathogenic (1 of 4 stars; one submission).

Submission:

Labcorp Genetics (formerly Invitae), Labcorp
Classification: Pathogenic. Last evaluated: 2023-05-26. Review status: criteria provided, single submitter. Criteria: Invitae Variant Classification Sherloc (09022015). Collection method: clinical testing. Allele origin: germline.
Comment: This sequence change creates a premature translational stop signal (p.Glu187*) in the TRAF3IP1 gene. It is expected to result in an absent or disrupted protein product. Loss-of-function variants in TRAF3IP1 are known to be pathogenic (PMID: 21945076, 26487268, 29068549). This variant is not present in population databases (gnomAD no frequency). This variant has not been reported in the literature in individuals affected with TRAF3IP1-related conditions. For these reasons, this variant has been classified as Pathogenic.

Literature cited by the submitters: PubMed 21945076; PubMed 26487268; PubMed 29068549.

NM_015650.4(TRAF3IP1):c.559G>T (p.Glu187Ter)

Gene: TRAF3IP1 (TRAF3 interacting protein 1; plus strand). Cytogenetic location: 2q37.3.
Variant type: single nucleotide variant.
Coding change: c.559G>T on transcript NM_015650.4 (MANE Select); coding-DNA position 559, G replaced by T.
Protein change: p.Glu187Ter; replaces glutamic acid 187 with a stop codon.
Molecular consequence: nonsense.
Genome position (GRCh38, 1-based): chr2:238,328,986, G>T. VCF-style: chr2-238328986-G-T. GRCh37 (hg19) VCF-style: chr2-239237627-G-T.
Other names: c.559G>T, p.Glu187Ter (NM_001139490.1); short protein forms E187*.
Identifiers: ClinVar variation 2840830 (VCV002840830.3), dbSNP rs1697980483, ClinGen allele CA351244343.
Genomic context (GRCh38, chr2:238,328,986, plus strand): 5'-GATAGAGGAGACGCTGAAATAAAAGAGAGAAGTACAAGCAGAGATCGAAAACAGAAGGAA[G>T]AATTGAAAGAAGACCGCAAGCCAAGAGAAAAGGACAAGGACAAGGAGAAGGCCAAGGAGA-3'